The following is an entry in ClinVar:

NM_000435.3(NOTCH3):c.193T>G (p.Cys65Gly)

Gene: NOTCH3 (notch receptor 3; minus strand). Cytogenetic location: 19p13.12.
Variant type: single nucleotide variant.
Coding change: c.193T>G on transcript NM_000435.3 (MANE Select); coding-DNA position 193, T replaced by G.
Protein change: p.Cys65Gly; replaces cysteine 65 with glycine.
Molecular consequence: missense variant.
Genome position (GRCh38, 1-based): chr19:15,197,504, A>C on the plus strand (T>G on the coding strand, the complement: NOTCH3 is on the minus strand). VCF-style: chr19-15197504-A-C. GRCh37 (hg19) VCF-style: chr19-15308315-A-C.
Other names: short protein forms C65G.
Identifiers: ClinVar variation 447802 (VCV000447802.2), dbSNP rs1555730177, ClinGen allele CA404483316.
Genomic context (GRCh38, chr19:15,197,504, plus strand): 5'-CCTCCCCCCCGCCCCCACACACAGGGCCCACTGGTGGCTCTGAGCCAGGCACTCACAGGC[A>C]GGCAGCCTCCCGGGAGGGCAGCTGGGTGCAACGACCTCCATTTGCACACGGGCTTCCGTC-3'
Protein context (NP_000426.2, residues 55-75): CTQLPSREAA[Cys65Gly]LCPPGWVGER

ClinVar aggregate classification (germline): Pathogenic (1 of 4 stars; one submission).

Submission:

Athena Diagnostics
Classification: Pathogenic. Last evaluated: 2021-03-08. Review status: criteria provided, single submitter. Criteria: Athena Diagnostics criteria. Collection method: clinical testing. Allele origin: unknown.
Comment: This variant has not been reported in large, multi-ethnic general populations. This variant has been identified in at least one individual with clinical features associated with this gene. At least one other missense variant at this codon is considered to be pathogenic or likely pathogenic, suggesting this variant may also cause disease. This variant alters a critical location within the protein, and is expected to severely affect function and cause disease. Greater than 90% of NOTCH3 pathogenic mutations associated with CADASIL involve the gain or loss of a cysteine residue within the epidermal growth factor (EGF)-like repeat domain (PMID: 32457593, 20301673).

Literature cited by the submitters: PubMed 21078731.